The following is an entry in ClinVar:

NM_001195553.2(DCX):c.751G>C (p.Ala251Pro)

Gene: DCX (doublecortin; minus strand). Cytogenetic location: Xq23.
Variant type: single nucleotide variant.
Coding change: c.751G>C on transcript NM_001195553.2 (MANE Select); coding-DNA position 751, G replaced by C.
Protein change: p.Ala251Pro; replaces alanine 251 with proline.
Molecular consequence: missense variant.
Genome position (GRCh38, 1-based): chrX:111,333,108, C>G on the plus strand (G>C on the coding strand, the complement: DCX is on the minus strand). VCF-style: chrX-111333108-C-G. GRCh37 (hg19) VCF-style: chrX-110576336-C-G.
Other names: c.994G>C, p.Ala332Pro (NM_000555.3); c.751G>C, p.Ala251Pro (NM_001369370.1, NM_001369371.1, NM_001369372.1 and 6 more transcripts); short protein forms A251P, A332P.
Identifiers: ClinVar variation 3349037 (VCV003349037.1).

ClinVar aggregate classification (germline): Likely pathogenic (0 of 4 stars; one submission).

Conditions:
DCX-related disorder. Also called: DCX-related condition; DCX-Related Disorders. Identifiers: MedGen CN381525.

Submission:

PreventionGenetics, part of Exact Sciences
Classification: Likely pathogenic for DCX-related condition. Last evaluated: 2024-04-08. Review status: no assertion criteria provided. Collection method: clinical testing. Allele origin: germline.
Comment: The DCX c.994G>C variant is predicted to result in the amino acid substitution p.Ala332Pro. To our knowledge, this variant has not been reported in the literature or in a large population database, indicating this variant is rare. Other amino acid substitutions at this position (p.Ala332Ser, p.Ala332Val) were previously reported in individuals with subcortical band heterotopia (Matsumoto et al. 2001. PubMed ID: 11175293, reported as p.Ala251Ser; Sakamoto et al. 2000. PubMed ID: 10807542, reported as p.Ala251Val). We classify this variant as likely pathogenic.